The following is an entry in ClinVar:

NM_020937.4(FANCM):c.2996C>T (p.Pro999Leu)

Gene: FANCM (FA complementation group M; plus strand). Cytogenetic location: 14q21.2.
Variant type: single nucleotide variant.
Coding change: c.2996C>T on transcript NM_020937.4 (MANE Select); coding-DNA position 2996, C replaced by T.
Protein change: p.Pro999Leu; replaces proline 999 with leucine.
Molecular consequence: missense variant.
Genome position (GRCh38, 1-based): chr14:45,175,750, C>T. VCF-style: chr14-45175750-C-T. GRCh37 (hg19) VCF-style: chr14-45644953-C-T.
Other names: c.2918C>T, p.Pro973Leu (NM_001308133.2); c.2996C>T (LRG_502t1); short protein forms P999L, P973L.
Identifiers: ClinVar variation 575971 (VCV000575971.31), dbSNP rs148304968, ClinGen allele CA7169442.

ClinVar aggregate classification (germline): Uncertain significance. Review status: criteria provided, multiple submitters, no conflicts (2 of 4 stars). 9 submissions from 9 submitters: Uncertain significance (9). Last evaluated 2025-02-01.

Conditions:
Spermatogenic failure 28. Identifiers: MedGen C4748117, MONDO:0054732, OMIM 618086.
Premature ovarian failure 15. Identifiers: MedGen C4748170, MONDO:0054862, OMIM 618096.
Inborn genetic diseases. Identifiers: MedGen C0950123, MeSH D030342.
Hereditary breast ovarian cancer syndrome. Also called: Hereditary breast and ovarian cancer; Breast and ovarian cancer; Hereditary breast and ovarian cancer syndrome; BRCA1- and BRCA2-Associated Hereditary Breast and Ovarian Cancer; Hereditary breast and/or ovarian cancer syndrome; Hereditary breast and ovarian cancer syndrome (HBOC). Identifiers: Orphanet 145, MedGen C0677776, MeSH D061325, MONDO:0003582. Disease mechanism: loss of function.
Fanconi anemia (FA). Also called: Fanconi's anemia. Identifiers: Orphanet 84, MedGen C0015625, MeSH D005199, MONDO:0019391.
Hereditary cancer-predisposing syndrome. Also called: Tumor predisposition; Hereditary neoplastic syndrome; Hereditary Cancer Syndrome; Neoplastic Syndromes, Hereditary. Identifiers: Orphanet 140162, MedGen C0027672, MeSH D009386, MONDO:0015356.

Allele frequency attached by ClinVar (database versions not stated): gnomAD 0.00043 and 0.00044; TOPMed 0.00048; ESP Exome Variant Server 0.00069; 1000 Genomes Project 0.00080; 1000 Genomes Project 30x 0.00094.
gnomAD v4.1: 218 of 1,613,628 alleles (0.014%); highest among the groups gnomAD compares: African/African-American, 0.15%; 1 homozygote.

Submissions (9):

Labcorp Genetics (formerly Invitae), Labcorp
Classification: Uncertain significance for Fanconi anemia. Last evaluated: 2025-02-01. Review status: criteria provided, single submitter. Criteria: Invitae Variant Classification Sherloc (09022015). Collection method: clinical testing. Allele origin: germline.
Comment: This sequence change replaces proline, which is neutral and non-polar, with leucine, which is neutral and non-polar, at codon 999 of the FANCM protein (p.Pro999Leu). This variant is present in population databases (rs148304968, gnomAD 0.1%). This missense change has been observed in individual(s) with colorectal cancer and breast cancer (PMID: 31428572, 36707629). ClinVar contains an entry for this variant (Variation ID: 575971). An algorithm developed to predict the effect of missense changes on protein structure and function (PolyPhen-2) suggests that this variant is likely to be disruptive. In summary, the available evidence is currently insufficient to determine the role of this variant in disease. Therefore, it has been classified as a Variant of Uncertain Significance.

Quest Diagnostics Nichols Institute San Juan Capistrano
Classification: Uncertain significance. Last evaluated: 2025-01-31. Review status: criteria provided, single submitter. Criteria: Quest Diagnostics criteria. Collection method: clinical testing. Allele origin: unknown.
Comment: The FANCM c.2996C>T (p.Pro999Leu) variant has been reported in the published literature in individuals with breast cancer (PMIDs: 33471991 (2021), 36707629 (2023), see also LOVD), rectal cancer (PMID: 31428572 (2019)), myelodysplastic syndrome (PMID: 36534659 (2022)), and angioimmunoblastic T-cell lymphoma (PMID: 37646306 (2023)). This variant has also been identified in reportedly unaffected individuals (PMIDs: 33471991 (2021), 36707629 (2023), see also LOVD). The frequency of this variant in the general population (Genome Aggregation Database) is higher than would generally be expected for pathogenic variants in this gene. Analysis of this variant using bioinformatics tools for the prediction of the effect of amino acid changes on protein structure and function yielded conflicting predictions that this variant is benign or damaging. Based on the available information, we are unable to determine the clinical significance of this variant.

GeneDx
Classification: Uncertain significance. Last evaluated: 2024-08-06. Review status: criteria provided, single submitter. Criteria: GeneDx Variant Classification Process June 2021. Collection method: clinical testing. Allele origin: germline. Affected: yes.
Comment: In silico analysis supports that this missense variant has a deleterious effect on protein structure/function; This variant is associated with the following publications: (PMID: 32566746, 37646306, 33471991, 31428572, 26689913, 36534659)

Ambry Genetics
Classification: Uncertain significance for Inborn genetic diseases. Last evaluated: 2023-04-27. Review status: criteria provided, single submitter. Criteria: Ambry Variant Classification Scheme 2023. Collection method: clinical testing. Allele origin: germline.
Comment: The c.2996C>T (p.P999L) alteration is located in coding exon 14 of the FANCM gene. This alteration results from a C to T substitution at nucleotide position 2996, causing the proline (P) at amino acid position 999 to be replaced by a leucine (L). Based on data from gnomAD, the T allele has an overall frequency of 0.029% (81/281220) total alleles studied. The highest observed frequency was 0.146% (36/24630) of African alleles. This amino acid position is highly conserved in available vertebrate species. This alteration is predicted to be tolerated by in silico analysis. Based on insufficient or conflicting evidence, the clinical significance of this alteration remains unclear.

Fulgent Genetics
Classification: Uncertain significance for Spermatogenic failure 28; Premature ovarian failure 15. Last evaluated: 2022-03-01. Review status: criteria provided, single submitter. Criteria: ACMG Guidelines, 2015. Collection method: clinical testing. Allele origin: unknown.

Genetic Services Laboratory, University of Chicago
Classification: Uncertain significance. Last evaluated: 2021-08-24. Review status: criteria provided, single submitter. Criteria: ACMG Guidelines, 2015. Collection method: clinical testing. Allele origin: germline. Affected: no.
Comment: DNA sequence analysis of the FANCM gene demonstrated a sequence change, c.2996C>T, in exon 14 that results in an amino acid change, p.Pro999Leu. This sequence change has been described in the gnomAD database with a frequency of 0.15% in the African/African-American subpopulation (dbSNP rs148304968). The p.Pro999Leu change affects a highly conserved amino acid residue located in a domain of the FANCM protein that is not known to be functional. In-silico pathogenicity prediction tools (SIFT, PolyPhen2, Align GVGD, REVEL) provide contradictory results for the p.Pro999Leu substitution. This sequence change does not appear to have been previously described in individuals with FANCM-related disorders. Due to insufficient evidences and the lack of functional studies, the clinical significance of the p.Pro999Leu change remains unknown at this time.

Sema4
Classification: Uncertain significance for Hereditary cancer-predisposing syndrome. Last evaluated: 2021-08-19. Review status: criteria provided, single submitter. Criteria: Sema4 Curation Guidelines. Collection method: curation. Allele origin: germline.
Comment: The FANCM c.2996C>T (p.P999L) variant has been reported in heterozygosity in multiple individuals with breast cancer, but also in healthy individuals in the same study (PMID: 33471991). It has also been reported in an individual with rectal cancer (PMID: 31428572). This variant was observed in 36/24630 chromosomes in the African population, with one homozygote, according to the Genome Aggregation Database (PMID: 32461654) and has been reported in ClinVar (Variation ID: 575971). Functional studies have not been performed, and in silico predictions of the variant's effect on protein function are inconclusive. There is no indication that this variant causes disease, but the evidence is insufficient currently to prove that conclusively. In summary, the clinical significance of this variant is currently uncertain.

Cancer Genomics Group, Japanese Foundation For Cancer Research
Classification: Uncertain significance for Hereditary breast and ovarian cancer syndrome. Last evaluated: 2019-05-01. Review status: criteria provided, single submitter. Criteria: ACMG Guidelines, 2015. Collection method: research. Allele origin: germline. Affected: yes.

Neuberg Centre For Genomic Medicine, NCGM
Classification: Uncertain significance for Premature ovarian failure 15. Review status: criteria provided, single submitter. Criteria: ACMG Guidelines, 2015. Collection method: clinical testing. Allele origin: germline. Inheritance: Autosomal dominant inheritance. Affected: yes.

Literature cited by the submitters: PubMed 31428572 (cited by 4 submitters); PubMed 36707629 (cited by Labcorp Genetics (formerly Invitae), Labcorp and Quest Diagnostics Nichols Institute San Juan Capistrano); PubMed 33471991 (cited by Quest Diagnostics Nichols Institute San Juan Capistrano and Sema4); PubMed 36534659 (cited by Quest Diagnostics Nichols Institute San Juan Capistrano); PubMed 37646306 (cited by Quest Diagnostics Nichols Institute San Juan Capistrano).